The following is an entry in ClinVar:

ClinVar aggregate classification (germline): Benign. Review status: criteria provided, multiple submitters, no conflicts (2 of 4 stars). 2 submissions from 2 submitters: Benign (2). Last evaluated 2018-06-16.

Allele frequency attached by ClinVar (database versions not stated): gnomAD exomes 0.04944; gnomAD 0.06181 and 0.06552; TOPMed 0.07295; 1000 Genomes Project 30x 0.12430; 1000 Genomes Project 0.12800.
gnomAD v4.1: 68,611 of 1,329,624 alleles (5.2%); highest among the groups gnomAD compares: East Asian, 35%; 4,199 homozygotes.

Submissions (2):

GeneDx
Classification: Benign. Last evaluated: 2018-06-16. Review status: criteria provided, single submitter. Criteria: GeneDx Variant Classification (06012015). Collection method: clinical testing. Allele origin: germline. Affected: yes.
Comment: This variant is considered likely benign or benign based on one or more of the following criteria: it is a conservative change, it occurs at a poorly conserved position in the protein, it is predicted to be benign by multiple in silico algorithms, and/or has population frequency not consistent with disease.

Breakthrough Genomics
Classification: Benign. Review status: criteria provided, single submitter. Criteria: ACMG Guidelines, 2015. Collection method: not provided. Allele origin: germline. Inheritance: Autosomal recessive inheritance. Affected: yes.

NM_001849.4(COL6A2):c.901-111C>T

Gene: COL6A2 (collagen type VI alpha 2 chain; plus strand). Cytogenetic location: 21q22.3.
Variant type: single nucleotide variant.
Coding change: c.901-111C>T on transcript NM_001849.4 (MANE Select); 111 bases into the intron before coding-DNA position 901, C replaced by T.
Molecular consequence: intron variant.
Genome position (GRCh38, 1-based): chr21:46,116,266, C>T. VCF-style: chr21-46116266-C-T. GRCh37 (hg19) VCF-style: chr21-47536180-C-T.
Other names: c.901-111C>T (NM_058175.3, NM_058174.3).
Identifiers: ClinVar variation 681619 (VCV000681619.2), dbSNP rs2839109, ClinGen allele CA14875495.